The following is an entry in ClinVar:

NM_002661.5(PLCG2):c.3097C>T (p.Arg1033Cys)

Gene: PLCG2 (phospholipase C gamma 2; plus strand). Cytogenetic location: 16q23.3.
Variant type: single nucleotide variant.
Coding change: c.3097C>T on transcript NM_002661.5 (MANE Select); coding-DNA position 3097, C replaced by T.
Protein change: p.Arg1033Cys; replaces arginine 1033 with cysteine.
Molecular consequence: missense variant.
Genome position (GRCh38, 1-based): chr16:81,937,802, C>T. VCF-style: chr16-81937802-C-T. GRCh37 (hg19) VCF-style: chr16-81971407-C-T.
Other names: short protein forms R1033C.
Identifiers: ClinVar variation 1523385 (VCV001523385.9), dbSNP rs376667295, ClinGen allele CA8194562.

ClinVar aggregate classification (germline): Uncertain significance. Review status: criteria provided, multiple submitters, no conflicts (2 of 4 stars). 2 submissions from 2 submitters: Uncertain significance (2). Last evaluated 2022-07-12.

Conditions:
Familial cold autoinflammatory syndrome 3 (FCAS3). Also called: ANTIBODY DEFICIENCY AND IMMUNE DYSREGULATION, PLCG2-ASSOCIATED; FAMILIAL ATYPICAL COLD URTICARIA. Identifiers: Orphanet 300359, MedGen C3280914, MONDO:0013766, OMIM 614468.
Autoinflammation-PLCG2-associated antibody deficiency-immune dysregulation. Also called: Autoinflammation, antibody deficiency, and immune dysregulation, plcg2-associated; AUTOINFLAMMATION, ANTIBODY DEFICIENCY, AND IMMUNE DYSREGULATION; Autoinflammation, antibody deficiency, and immune dysregulation syndrome. Identifiers: Orphanet 324530, MedGen C3553961, MONDO:0013944, OMIM 614878.

Allele frequency attached by ClinVar (database versions not stated): gnomAD exomes below 0.00001 and 0.00001; ExAC 0.00001; gnomAD 0.00001; TOPMed 0.00002; ESP Exome Variant Server 0.00008.
gnomAD v4.1: 10 of 1,613,676 alleles (0.00062%); highest among the groups gnomAD compares: Admixed American, 0.0017%; no homozygotes.

Submissions (2):

Labcorp Genetics (formerly Invitae), Labcorp
Classification: Uncertain significance for Familial cold autoinflammatory syndrome 3. Last evaluated: 2022-07-12. Review status: criteria provided, single submitter. Criteria: Invitae Variant Classification Sherloc (09022015). Collection method: clinical testing. Allele origin: germline.
Comment: This variant is present in population databases (rs376667295, gnomAD 0.007%). In summary, the available evidence is currently insufficient to determine the role of this variant in disease. Therefore, it has been classified as a Variant of Uncertain Significance. Algorithms developed to predict the effect of sequence changes on RNA splicing suggest that this variant may create or strengthen a splice site. Algorithms developed to predict the effect of missense changes on protein structure and function are either unavailable or do not agree on the potential impact of this missense change (SIFT: "Deleterious"; PolyPhen-2: "Benign"; Align-GVGD: "Class C15"). ClinVar contains an entry for this variant (Variation ID: 1523385). This variant has not been reported in the literature in individuals affected with PLCG2-related conditions. This sequence change replaces arginine, which is basic and polar, with cysteine, which is neutral and slightly polar, at codon 1033 of the PLCG2 protein (p.Arg1033Cys).

Fulgent Genetics
Classification: Uncertain significance for Familial cold autoinflammatory syndrome 3; Autoinflammation-PLCG2-associated antibody deficiency-immune dysregulation. Last evaluated: 2022-03-25. Review status: criteria provided, single submitter. Criteria: ACMG Guidelines, 2015. Collection method: clinical testing. Allele origin: unknown.